The following is an entry in ClinVar:

ClinVar aggregate classification (germline): Conflicting classifications of pathogenicity. Review status: criteria provided, conflicting classifications (1 of 4 stars). 7 submissions from 7 submitters: Uncertain significance (2); Benign (1); Likely benign (3). 1 of the submissions does not count toward it. Last evaluated 2025-12-17.

Conditions:
NSD1-related disorder. Also called: NSD1-related condition.
Sotos syndrome (SOTOS). Also called: CHROMOSOME 5q35 DELETION SYNDROME; CEREBRAL GIGANTISM; Sotos' syndrome; Distinctive facial appearance, overgrowth in childhood, and learning disabilities or delayed development; SOTOS SYNDROME 1. Identifiers: Orphanet 821, MedGen C0175695, MONDO:0019349, OMIM 117550.
Inborn genetic diseases. Identifiers: MedGen C0950123, MeSH D030342.

Allele frequency attached by ClinVar (database versions not stated): TOPMed 0.00026; 1000 Genomes Project 30x 0.00031.
gnomAD v4.1: 57 of 1,614,128 alleles (0.0035%); highest among the groups gnomAD compares: African/African-American, 0.076%; no homozygotes.

Submissions (7):

Labcorp Genetics (formerly Invitae), Labcorp
Classification: Likely benign. Last evaluated: 2025-12-17. Review status: criteria provided, single submitter. Criteria: Invitae Variant Classification Sherloc (09022015). Collection method: clinical testing. Allele origin: germline.

CeGaT Center for Human Genetics Tuebingen
Classification: Benign. Last evaluated: 2025-09-01. Review status: criteria provided, single submitter. Criteria: CeGaT Center For Human Genetics Tuebingen Variant Classification Criteria Version 2. Collection method: clinical testing. Allele origin: germline. Affected: yes. Observed: 1 variant allele.
Comment: NSD1: BS1, BS2

Genome-Nilou Lab
Classification: Likely benign for Sotos syndrome. Last evaluated: 2021-07-15. Review status: criteria provided, single submitter. Criteria: ACMG Guidelines, 2015. Collection method: clinical testing. Allele origin: germline. Affected: no.

Ambry Genetics
Classification: Likely benign for Inborn genetic diseases. Last evaluated: 2017-12-06. Review status: criteria provided, single submitter. Criteria: Ambry Variant Classification Scheme 2023. Collection method: clinical testing. Allele origin: germline.

Eurofins Ntd Llc (ga)
Classification: Uncertain significance. Last evaluated: 2016-01-14. Review status: criteria provided, single submitter. Criteria: EGL Classification Definitions 2015. Collection method: clinical testing. Allele origin: germline. Observed: 1 variant allele, 1 heterozygote.

Genetic Services Laboratory, University of Chicago
Classification: Uncertain significance for Sotos syndrome 1. Last evaluated: 2013-02-08. Review status: criteria provided, single submitter. Criteria: ACMG Guidelines, 2007. Collection method: clinical testing. Allele origin: germline. Inheritance: Autosomal dominant inheritance.

PreventionGenetics, part of Exact Sciences
Classification: Likely benign for NSD1-related condition. Last evaluated: 2022-05-02. Review status: no assertion criteria provided. Collection method: clinical testing. Allele origin: germline. Not counted in ClinVar's aggregate classification.
Comment: This variant is classified as likely benign based on ACMG/AMP sequence variant interpretation guidelines (Richards et al. 2015 PMID: 25741868, with internal and published modifications).

NM_022455.5(NSD1):c.4564G>T (p.Asp1522Tyr)

Gene: NSD1 (nuclear receptor binding SET domain protein 1; plus strand). Cytogenetic location: 5q35.3.
Variant type: single nucleotide variant.
Coding change: c.4564G>T on transcript NM_022455.5 (MANE Select); coding-DNA position 4564, G replaced by T.
Protein change: p.Asp1522Tyr; replaces aspartic acid 1522 with tyrosine.
Molecular consequence: missense variant.
Genome position (GRCh38, 1-based): chr5:177,248,247, G>T. VCF-style: chr5-177248247-G-T. GRCh37 (hg19) VCF-style: chr5-176675248-G-T.
Other names: c.3691G>T, p.Asp1231Tyr (NM_001365684.2, NM_172349.5, NM_001409306.1 and 3 more transcripts); c.4564G>T, p.Asp1522Tyr (NM_001409301.1, NM_001409302.1, NM_001409303.1); c.4144G>T, p.Asp1382Tyr (NM_001409304.1); c.3811G>T, p.Asp1271Tyr (NM_001409305.1); short protein forms D1522Y, D1253Y, D1231Y, D1271Y, D1382Y.
Identifiers: ClinVar variation 159338 (VCV000159338.31), dbSNP rs201483724, ClinGen allele CA294894.